The following is an entry in ClinVar:

ClinVar aggregate classification (germline): Likely benign (1 of 4 stars; one submission).

gnomAD v4.1: 2,811 of 1,614,018 alleles (0.17%); highest among the groups gnomAD compares: Middle Eastern, 0.38%; 4 homozygotes.

Submission:

CeGaT Center for Human Genetics Tuebingen
Classification: Likely benign. Last evaluated: 2026-05-01. Review status: criteria provided, single submitter. Criteria: CeGaT Center For Human Genetics Tuebingen Variant Classification Criteria Version 2. Collection method: clinical testing. Allele origin: germline. Affected: yes. Observed: 1 variant allele.
Comment: KIAA0754: BP4, BP7

NM_001394062.1(MACF1):c.15817-10993G>A

Genes: KIAA0754 (KIAA0754; plus strand), MACF1 (microtubule actin crosslinking factor 1; plus strand). Cytogenetic location: 1p34.3.
Variant type: single nucleotide variant.
Coding change: c.15817-10993G>A on transcript NM_001394062.1 (MANE Select); 10993 bases into the intron before coding-DNA position 15817, G replaced by A.
Molecular consequence: intron variant. On other transcripts: synonymous variant (1).
Genome position (GRCh38, 1-based): chr1:39,411,381, G>A. VCF-style: chr1-39411381-G-A. GRCh37 (hg19) VCF-style: chr1-39877053-G-A.
Other names: c.1116G>A, p.Val372= (NM_001397473.1); c.9631-10993G>A (NM_012090.5).
Identifiers: ClinVar variation 4872079 (VCV004872079.2).